The following is an entry in ClinVar:

ClinVar aggregate classification (germline): Pathogenic. Review status: reviewed by expert panel (3 of 4 stars). 10 submissions from 10 submitters: Pathogenic (1). 9 of the submissions do not count toward it. Last evaluated 2019-11-05.

Conditions:
PAH-related disorder. Also called: PAH-related condition.
Phenylketonuria (PKU). Also called: Phenylketonuria (PKU); FOLLING DISEASE; OLIGOPHRENIA PHENYLPYRUVICA; Phenylketonurias. Identifiers: Orphanet 716, MedGen C0031485, MONDO:0009861, OMIM 261600. Disease mechanism: loss of function.

Allele frequency attached by ClinVar (database versions not stated): TOPMed 0.00001.

Submissions (10):

ClinGen PAH Variant Curation Expert Panel
Classification: Pathogenic for Phenylketonuria. Last evaluated: 2019-11-05. Review status: reviewed by expert panel. Criteria: ClinGen PAH ACMG Specifications v1. Collection method: curation. Allele origin: germline. Inheritance: Autosomal recessive inheritance.
Comment: This c.1315+6T>A (IVS12+6T>A) variant was documented three times in Southern Chinese patients and 5 times in Northern Chinese patients with PAH deficiency; DHPR activity, biopterin and/or pteridine analysis was performed to rule out other causes of hyperphenylalaninemia (PMID: 26503515). This variant was documented in at least 7 patients with PAH deficiency, with a pathogenic PAH variant in trans (PMID: 16256386, 23932990, 28982351). This variant is absent from the population databases ExAC and gnomAD. In summary, this variant meets criteria to be classified as pathogenic for PAH. PAH-specific ACMG/AMP criteria applied: PM2, PP4_moderate, PM3_very strong.

Labcorp Genetics (formerly Invitae), Labcorp
Classification: Pathogenic for Phenylketonuria. Last evaluated: 2024-12-23. Review status: criteria provided, single submitter. Criteria: Invitae Variant Classification Sherloc (09022015). Collection method: clinical testing. Allele origin: germline. Not counted in ClinVar's aggregate classification.
Comment: This sequence change falls in intron 12 of the PAH gene. It does not directly change the encoded amino acid sequence of the PAH protein. It affects a nucleotide within the consensus splice site. This variant is not present in population databases (gnomAD no frequency). This variant has been observed in individual(s) with mild phenylketonuria or mild hyperphenylalaninemia (PMID: 16256386, 23932990, 29731766). This variant is also known as IVS12+6T>A. ClinVar contains an entry for this variant (Variation ID: 102590). Variants that disrupt the consensus splice site are a relatively common cause of aberrant splicing (PMID: 17576681, 9536098). Algorithms developed to predict the effect of sequence changes on RNA splicing suggest that this variant may disrupt the consensus splice site. For these reasons, this variant has been classified as Pathogenic.

Natera, Inc.
Classification: Pathogenic for Phenylketonuria. Last evaluated: 2024-04-01. Review status: criteria provided, single submitter. Criteria: Natera Variant Classification Schema (03/2026). Collection method: clinical testing. Allele origin: germline. Not counted in ClinVar's aggregate classification.
Comment: The c.1315+6T>A variant in PAH is an intronic variant located outside the canonical splice sites. This variant is rare in the general population with a frequency below the threshold expected for the associated phenotype(s). This variant has been observed in one or more individuals affected with the associated recessive disease, as either homozygous or compound heterozygous with a second variant (PMID: 32893076). Given the available evidence, this variant is classified as Pathogenic.

Baylor Genetics
Classification: Pathogenic for Phenylketonuria. Last evaluated: 2024-02-28. Review status: criteria provided, single submitter. Criteria: ACMG Guidelines, 2015. Collection method: clinical testing. Allele origin: unknown. Not counted in ClinVar's aggregate classification.

Women's Health and Genetics/Laboratory Corporation of America, LabCorp
Classification: Pathogenic for Phenylketonuria. Last evaluated: 2023-06-09. Review status: criteria provided, single submitter. Criteria: LabCorp Variant Classification Summary - May 2015. Collection method: clinical testing. Allele origin: germline. Not counted in ClinVar's aggregate classification.
Comment: Variant summary: PAH c.1315+6T>A alters a conserved nucleotide located close to a canonical splice site and therefore could affect mRNA splicing, leading to a significantly altered protein sequence. Several computational tools predict a significant impact on normal splicing: Three predict the variant weakens the canonical 5' splice donor site. However, these predictions have yet to be confirmed by functional studies. The variant was absent in 251404 control chromosomes. c.1315+6T>A has been reported in the literature in multiple individuals affected with Phenylalanine Hydroxylase Deficiency (Phenylketonuria) such as mild hyperphenylalaninaemia (MHP) or mild Phenyketonuria (mPKU) (example, Li_2018, Hillert_2020). These data indicate that the variant is very likely to be associated with disease. To our knowledge, no experimental evidence demonstrating an impact on protein function has been reported. The following publications have been ascertained in the context of this evaluation (PMID: 32668217, 30050108). Two clinical diagnostic laboratories and the ClinGen PAH Variant Curation Expert Panel have submitted clinical-significance assessments for this variant to ClinVar after 2014. All submitters classified the variant as pathogenic/likely pathogenic. Based on the evidence outlined above, the variant was classified as pathogenic.

Juno Genomics, Hangzhou Juno Genomics, Inc
Classification: Pathogenic for Phenylketonuria. Review status: criteria provided, single submitter. Criteria: ACMG Guidelines, 2015. Collection method: clinical testing. Allele origin: germline. Affected: yes. Not counted in ClinVar's aggregate classification.
Comment: Absent from controls (or at extremely low frequency if recessive) in Genome Aggregation Database.;For recessive disorders, detected in trans with a pathogenic variant.;Patient's phenotype or family history is highly specific for a disease with a single genetic etiology.

Clinical Laboratory, Xuzhou Maternity and Child Health Care Hospital
Classification: Pathogenic for Phenylketonuria. Last evaluated: 2026-08-28. Review status: no assertion criteria provided. Collection method: clinical testing. Allele origin: germline. Affected: yes. Not counted in ClinVar's aggregate classification.

PreventionGenetics, part of Exact Sciences
Classification: Pathogenic for PAH-related condition. Last evaluated: 2024-08-06. Review status: no assertion criteria provided. Collection method: clinical testing. Allele origin: germline. Not counted in ClinVar's aggregate classification.
Comment: The PAH c.1315+6T>A variant is predicted to interfere with splicing. This variant is also referred to as IVS12+6T>A in the literature. This variant has been reported with a second PAH variant in individuals with mild phenylketonuria or hyperphenylalaninemia (see, for example, Song et al. 2005. PubMed ID: 16256386; Table S2, Li et al. 2018. PubMed ID: 30050108; Supplementary Table 2, Zeng et al. 2023. PubMed ID: 36845377). This variant is predicted to alter splicing based on available splicing prediction programs (SpliceAI, Jaganathan et al. 2019. PubMed ID: 30661751). However, the use of computer prediction programs is not equivalent to functional evidence. This variant has not been reported in a large population database, indicating this variant is rare. This variant is interpreted as pathogenic or likely pathogenic in ClinVar, including by the ClinGen PAH Variant Curation Expert Panel. This variant is interpreted as pathogenic.

Counsyl
Classification: Likely pathogenic for Phenylketonuria. Last evaluated: 2017-08-02. Review status: no assertion criteria provided. Collection method: clinical testing. Allele origin: unknown. Not counted in ClinVar's aggregate classification.

DeBelle Laboratory for Biochemical Genetics, MUHC/MCH RESEARCH INSTITUTE
No classification provided. Review status: no classification provided. Collection method: not provided. Allele origin: not provided. Not counted in ClinVar's aggregate classification.

Literature cited by the submitters: PubMed 23932990 (cited by 3 submitters); PubMed 16256386 (cited by 3 submitters); PubMed 28982351 (cited by ClinGen PAH Variant Curation Expert Panel); PubMed 26503515 (cited by ClinGen PAH Variant Curation Expert Panel and Counsyl); PubMed 29731766 (cited by Labcorp Genetics (formerly Invitae), Labcorp); PubMed 17576681 (cited by Labcorp Genetics (formerly Invitae), Labcorp); PubMed 9536098 (cited by Labcorp Genetics (formerly Invitae), Labcorp); PubMed 32893076 (cited by Natera, Inc.); PubMed 30050108 (cited by Women's Health and Genetics/Laboratory Corporation of America, LabCorp); PubMed 32668217 (cited by Women's Health and Genetics/Laboratory Corporation of America, LabCorp).

NM_000277.3(PAH):c.1315+6T>A

Gene: PAH (phenylalanine hydroxylase; minus strand). Cytogenetic location: 12q23.2.
Variant type: single nucleotide variant.
Coding change: c.1315+6T>A on transcript NM_000277.3 (MANE Select); 6 bases into the intron after coding-DNA position 1315, T replaced by A.
Molecular consequence: intron variant.
Genome position (GRCh38, 1-based): chr12:102,840,394, A>T on the plus strand (T>A on the coding strand, the complement: PAH is on the minus strand). VCF-style: chr12-102840394-A-T. GRCh37 (hg19) VCF-style: chr12-103234172-A-T.
Other names: c.1315+6T>A (NM_001354304.2, NM_000277.2).
Identifiers: ClinVar variation 102590 (VCV000102590.20), dbSNP rs62508650, ClinGen allele CA229431.
Genomic context (GRCh38, chr12:102,840,394, plus strand): 5'-TGGTAGGGAAAGACAGTCTTCGATTACTGAGAAACCGAGTGGCCTCGTAAGGTGTAAATT[A>T]CTTACTGTTAATGGAATCAGCCAAAATCTTAAGCTGCTGGGTATTGTCCAAGACCTCAAT-3'